The following is an entry in ClinVar:

NM_001085458.2(CTNND1):c.804C>G (p.Ser268Arg)

Genes: TMX2-CTNND1 (TMX2-CTNND1 readthrough (NMD candidate); plus strand), CTNND1 (catenin delta 1; plus strand). Cytogenetic location: 11q12.1.
Variant type: single nucleotide variant.
Coding change: c.804C>G on transcript NM_001085458.2 (MANE Select); coding-DNA position 804, C replaced by G.
Protein change: p.Ser268Arg; replaces serine 268 with arginine.
Molecular consequence: missense variant. On other transcripts: non-coding transcript variant (1).
Genome position (GRCh38, 1-based): chr11:57,796,840, C>G. VCF-style: chr11-57796840-C-G. GRCh37 (hg19) VCF-style: chr11-57564312-C-G.
Other names: c.804C>G, p.Ser268Arg (NM_001085459.2, NM_001085460.2, NM_001085461.2 and 3 more transcripts); c.501C>G, p.Ser167Arg (NM_001085463.2, NM_001085464.2, NM_001085465.2 and 5 more transcripts); c.642C>G, p.Ser214Arg (NM_001206883.2, NM_001206884.2, NM_001206886.2 and 4 more transcripts); short protein forms S167R, S214R, S268R.
Identifiers: ClinVar variation 3777643 (VCV003777643.1).

ClinVar aggregate classification (germline): Uncertain significance (1 of 4 stars; one submission).

gnomAD v4.1: 5 of 1,611,714 alleles (0.00031%); highest among the groups gnomAD compares: Non-Finnish European, 0.00042%; no homozygotes.

Submission:

GeneDx
Classification: Uncertain significance. Last evaluated: 2024-10-09. Review status: criteria provided, single submitter. Criteria: GeneDx Variant Classification Process June 2021. Collection method: clinical testing. Allele origin: germline. Affected: yes.
Comment: Not observed at significant frequency in large population cohorts (gnomAD); In silico analysis indicates that this missense variant does not alter protein structure/function; Has not been previously published as pathogenic or benign to our knowledge